The following is an entry in ClinVar:

NM_000081.4(LYST):c.7639G>A (p.Ala2547Thr)

Gene: LYST (lysosomal trafficking regulator; minus strand). Cytogenetic location: 1q42.3.
Variant type: single nucleotide variant.
Coding change: c.7639G>A on transcript NM_000081.4 (MANE Select); coding-DNA position 7639, G replaced by A.
Protein change: p.Ala2547Thr; replaces alanine 2547 with threonine.
Molecular consequence: missense variant.
Genome position (GRCh38, 1-based): chr1:235,751,351, C>T on the plus strand (G>A on the coding strand, the complement: LYST is on the minus strand). VCF-style: chr1-235751351-C-T. GRCh37 (hg19) VCF-style: chr1-235914651-C-T.
Other names: c.7639G>A, p.Ala2547Thr (NM_001301365.1); short protein forms A2547T.
Identifiers: ClinVar variation 4766359 (VCV004766359.1).
Genomic context (GRCh38, chr1:235,751,351, plus strand): 5'-CATGATTTGCGGTGGTCCTTATAAATTCCATAGCAGCCTGGAGAACTCTAAGCTGTAGTG[C>T]AACAGCCATATCTAAAAACAGAAGATACTAGAATGTTTTCAAGCTATGTGGTTACTAATT-3'
Protein context (NP_000072.2, residues 2537-2557): KNKRTQNMAV[Ala2547Thr]LQLRVLQAAM

ClinVar aggregate classification (germline): Uncertain significance (1 of 4 stars; one submission).

Conditions:
Chédiak-Higashi syndrome (CHS). Also called: Chediak-Higashi Syndrome. Identifiers: Orphanet 167, MedGen C0007965, MONDO:0008963, OMIM 214500.

gnomAD v4.1: 46 of 1,613,190 alleles (0.0029%); highest among the groups gnomAD compares: South Asian, 0.049%; 3 homozygotes.

Submission:

Labcorp Genetics (formerly Invitae), Labcorp
Classification: Uncertain significance for Chédiak-Higashi syndrome. Last evaluated: 2025-06-22. Review status: criteria provided, single submitter. Criteria: Invitae Variant Classification Sherloc (09022015). Collection method: clinical testing. Allele origin: germline.
Comment: This sequence change replaces alanine, which is neutral and non-polar, with threonine, which is neutral and polar, at codon 2547 of the LYST protein (p.Ala2547Thr). This variant is present in population databases (rs746118990, gnomAD 0.04%), including at least one homozygous and/or hemizygous individual. This variant has not been reported in the literature in individuals affected with LYST-related conditions. Invitae Evidence Modeling of protein sequence and biophysical properties (such as structural, functional, and spatial information, amino acid conservation, physicochemical variation, residue mobility, and thermodynamic stability) indicates that this missense variant is not expected to disrupt LYST protein function with a negative predictive value of 80%. In summary, the available evidence is currently insufficient to determine the role of this variant in disease. Therefore, it has been classified as a Variant of Uncertain Significance.